The following is an entry in ClinVar:

NM_000083.3(CLCN1):c.1401+17T>C

Gene: CLCN1 (chloride voltage-gated channel 1; plus strand). Cytogenetic location: 7q34.
Variant type: single nucleotide variant.
Coding change: c.1401+17T>C on transcript NM_000083.3 (MANE Select); 17 bases into the intron after coding-DNA position 1401, T replaced by C.
Molecular consequence: intron variant.
Genome position (GRCh38, 1-based): chr7:143,332,890, T>C. VCF-style: chr7-143332890-T-C. GRCh37 (hg19) VCF-style: chr7-143029983-T-C.
Identifiers: ClinVar variation 289007 (VCV000289007.14), dbSNP rs7794560, ClinGen allele CA4537346.
Genomic context (GRCh38, chr7:143,332,890, plus strand): 5'-GGGTCAACGTTGTCATCATCATCTTTCTCTTCTTCGTCATGAAGGTACTGCTCCTGACAC[T>C]AGCAACACCCTAAACCTCCATCTGTTTTCAATCTATGAACCCAGGGTTTGCATAGGGTAG-3'

ClinVar aggregate classification (germline): Benign/Likely benign. Review status: criteria provided, multiple submitters, no conflicts (2 of 4 stars). 5 submissions from 5 submitters: Benign (4); Likely benign (1). Last evaluated 2026-02-04.

Conditions:
Congenital myotonia, autosomal dominant form (THD). Also called: THOMSEN DISEASE; Myotonia congenita autosomal dominant. Identifiers: Orphanet 614, MedGen C2936781, MONDO:0008055, OMIM 160800.
Congenital myotonia, autosomal recessive form. Also called: Becker Generalized Myotonia; myotonia congenita, autosomal recessive; BECKER DISEASE. Identifiers: Orphanet 614, MedGen C0751360, MONDO:0009715, OMIM 255700.

Allele frequency attached by ClinVar (database versions not stated): 1000 Genomes Project 0.09245; 1000 Genomes Project 30x 0.09416; TOPMed 0.13189; ESP Exome Variant Server 0.13748; gnomAD 0.14100 and 0.14458; ExAC 0.14641; gnomAD exomes 0.14922 and 0.17471.
gnomAD v4.1: 275,502 of 1,613,004 alleles (17%); highest among the groups gnomAD compares: Non-Finnish European, 19%; 25,375 homozygotes.

Submissions (5):

Labcorp Genetics (formerly Invitae), Labcorp
Classification: Benign for Congenital myotonia, autosomal recessive form; Congenital myotonia, autosomal dominant form. Last evaluated: 2026-02-04. Review status: criteria provided, single submitter. Criteria: Invitae Variant Classification Sherloc (09022015). Collection method: clinical testing. Allele origin: germline.

Blueprint Genetics
Classification: Likely benign. Last evaluated: 2024-11-27. Review status: criteria provided, single submitter. Criteria: ACMG Guidelines, 2015. Collection method: clinical testing. Allele origin: germline.

Eurofins Ntd Llc (ga)
Classification: Benign. Last evaluated: 2016-06-28. Review status: criteria provided, single submitter. Criteria: EGL Classification Definitions 2015. Collection method: clinical testing. Allele origin: germline. Observed: 3 variant alleles, 1 heterozygote, 2 homozygotes.

GeneDx
Classification: Benign. Last evaluated: 2016-01-28. Review status: criteria provided, single submitter. Criteria: GeneDx Variant Classification (06012015). Collection method: clinical testing. Allele origin: germline. Affected: yes.
Comment: This variant is considered likely benign or benign based on one or more of the following criteria: it is a conservative change, it occurs at a poorly conserved position in the protein, it is predicted to be benign by multiple in silico algorithms, and/or has population frequency not consistent with disease.

Breakthrough Genomics
Classification: Benign. Review status: criteria provided, single submitter. Criteria: ACMG Guidelines, 2015. Collection method: not provided. Allele origin: germline. Inheritance: Autosomal recessive inheritance. Affected: yes.